The following is an entry in ClinVar:

ClinVar aggregate classification (germline): Uncertain significance (1 of 4 stars; one submission).

Conditions:
Acromesomelic dysplasia 1, Maroteaux type (AMD1). Also called: ST. HELENA DYSPLASIA; ACROMESOMELIC DYSPLASIA 1. Identifiers: Orphanet 40, MedGen C1864356, MONDO:0011275, OMIM 602875.
Tall stature-scoliosis-macrodactyly of the great toes syndrome. Also called: Epiphyseal chondrodysplasia, miura type. Identifiers: Orphanet 329191, MedGen C4014690, MONDO:0014401, OMIM 615923.

Submission:

Labcorp Genetics (formerly Invitae), Labcorp
Classification: Uncertain significance for Tall stature-scoliosis-macrodactyly of the great toes syndrome; Acromesomelic dysplasia 1, Maroteaux type. Last evaluated: 2025-07-21. Review status: criteria provided, single submitter. Criteria: Invitae Variant Classification Sherloc (09022015). Collection method: clinical testing. Allele origin: germline.
Comment: This sequence change replaces aspartic acid, which is acidic and polar, with asparagine, which is neutral and polar, at codon 94 of the NPR2 protein (p.Asp94Asn). This variant is present in population databases (rs369590513, gnomAD 0.01%). This variant has not been reported in the literature in individuals affected with NPR2-related conditions. Invitae Evidence Modeling of protein sequence and biophysical properties (such as structural, functional, and spatial information, amino acid conservation, physicochemical variation, residue mobility, and thermodynamic stability) indicates that this missense variant is not expected to disrupt NPR2 protein function with a negative predictive value of 80%. In summary, the available evidence is currently insufficient to determine the role of this variant in disease. Therefore, it has been classified as a Variant of Uncertain Significance.

NM_003995.4(NPR2):c.280G>A (p.Asp94Asn)

Gene: NPR2 (natriuretic peptide receptor 2; plus strand). Cytogenetic location: 9p13.3.
Variant type: single nucleotide variant.
Coding change: c.280G>A on transcript NM_003995.4 (MANE Select); coding-DNA position 280, G replaced by A.
Protein change: p.Asp94Asn; replaces aspartic acid 94 with asparagine.
Molecular consequence: missense variant.
Genome position (GRCh38, 1-based): chr9:35,792,688, G>A. VCF-style: chr9-35792688-G-A. GRCh37 (hg19) VCF-style: chr9-35792685-G-A.
Other names: c.280G>A, p.Asp94Asn (NM_001378923.1); short protein forms D94N.
Identifiers: ClinVar variation 4791084 (VCV004791084.1).